The following is an entry in ClinVar:

ClinVar aggregate classification (germline): Pathogenic. Review status: criteria provided, multiple submitters, no conflicts (2 of 4 stars). 4 submissions from 4 submitters: Pathogenic (4). Last evaluated 2025-10-01.

Conditions:
Neurofibromatosis, type 1 (NF1). Also called: Neurofibromatosis, type I; NEUROFIBROMATOSIS, TYPE I, SOMATIC; VON RECKLINGHAUSEN DISEASE; Peripheral type neurofibromatosis. Identifiers: Orphanet 636, MedGen C0027831, MONDO:0018975, OMIM 162200. Disease mechanism: loss of function.

Submissions (4):

CeGaT Center for Human Genetics Tuebingen
Classification: Pathogenic. Last evaluated: 2025-10-01. Review status: criteria provided, single submitter. Criteria: CeGaT Center For Human Genetics Tuebingen Variant Classification Criteria Version 2. Collection method: clinical testing. Allele origin: germline. Affected: yes. Observed: 1 variant allele.
Comment: NF1: PVS1, PM2, PS4:Supporting

Labcorp Genetics (formerly Invitae), Labcorp
Classification: Pathogenic for Neurofibromatosis, type 1. Last evaluated: 2023-11-24. Review status: criteria provided, single submitter. Criteria: Invitae Variant Classification Sherloc (09022015). Collection method: clinical testing. Allele origin: germline.
Comment: This sequence change creates a premature translational stop signal (p.Glu1437*) in the NF1 gene. It is expected to result in an absent or disrupted protein product. Loss-of-function variants in NF1 are known to be pathogenic (PMID: 10712197, 23913538). This variant is not present in population databases (gnomAD no frequency). This premature translational stop signal has been observed in individual(s) with NF1-related conditions (PMID: 22155606, 35885913). ClinVar contains an entry for this variant (Variation ID: 872182). For these reasons, this variant has been classified as Pathogenic.

GeneDx
Classification: Pathogenic. Last evaluated: 2023-10-17. Review status: criteria provided, single submitter. Criteria: GeneDx Variant Classification Process June 2021. Collection method: clinical testing. Allele origin: germline. Affected: yes.
Comment: Nonsense variant predicted to result in protein truncation or nonsense mediated decay in a gene for which loss of function is a known mechanism of disease; Not observed at significant frequency in large population cohorts (gnomAD); Also known as c.4309G>T; p.Glu1436X; This variant is associated with the following publications: (PMID: 22155606, 35885913)

Genome-Nilou Lab
Classification: Pathogenic for Neurofibromatosis, type 1. Last evaluated: 2022-03-15. Review status: criteria provided, single submitter. Criteria: ACMG Guidelines, 2015. Collection method: clinical testing. Allele origin: germline. Affected: no.

Literature cited by the submitters: PubMed 10712197 (cited by Labcorp Genetics (formerly Invitae), Labcorp); PubMed 23913538 (cited by Labcorp Genetics (formerly Invitae), Labcorp); PubMed 22155606 (cited by Labcorp Genetics (formerly Invitae), Labcorp); PubMed 35885913 (cited by Labcorp Genetics (formerly Invitae), Labcorp).

NM_001042492.3(NF1):c.4372G>T (p.Glu1458Ter)

Gene: NF1 (neurofibromin 1; plus strand). Cytogenetic location: 17q11.2.
Variant type: single nucleotide variant.
Coding change: c.4372G>T on transcript NM_001042492.3 (MANE Select); coding-DNA position 4372, G replaced by T.
Protein change: p.Glu1458Ter; replaces glutamic acid 1458 with a stop codon.
Molecular consequence: nonsense.
Genome position (GRCh38, 1-based): chr17:31,259,071, G>T. VCF-style: chr17-31259071-G-T. GRCh37 (hg19) VCF-style: chr17-29586089-G-T.
Other names: c.4309G>T, p.Glu1437Ter (NM_000267.4); short protein forms E1458*, E1437*.
Identifiers: ClinVar variation 872182 (VCV000872182.47), dbSNP rs1135402858, ClinGen allele CA398998813.